The following is an entry in ClinVar:

NM_003640.5(ELP1):c.2801T>G (p.Phe934Cys)

Gene: ELP1 (elongator acetyltransferase complex subunit 1; minus strand). Cytogenetic location: 9q31.3.
Variant type: single nucleotide variant.
Coding change: c.2801T>G on transcript NM_003640.5 (MANE Select); coding-DNA position 2801, T replaced by G.
Protein change: p.Phe934Cys; replaces phenylalanine 934 with cysteine.
Molecular consequence: missense variant.
Genome position (GRCh38, 1-based): chr9:108,894,002, A>C on the plus strand (T>G on the coding strand, the complement: ELP1 is on the minus strand). VCF-style: chr9-108894002-A-C. GRCh37 (hg19) VCF-style: chr9-111656282-A-C.
Other names: c.2801T>G (LRG_251t1); c.2459T>G, p.Phe820Cys (NM_001318360.2); c.1754T>G, p.Phe585Cys (NM_001330749.2); short protein forms F934C, F585C, F820C.
Identifiers: ClinVar variation 581293 (VCV000581293.9), dbSNP rs776891269, ClinGen allele CA5174534.

ClinVar aggregate classification (germline): Uncertain significance. Review status: criteria provided, multiple submitters, no conflicts (2 of 4 stars). 4 submissions from 4 submitters: Uncertain significance (3). 1 of the submissions does not count toward it. Last evaluated 2024-11-20.

Conditions:
Familial dysautonomia. Also called: FD; HSAN III. Identifiers: Orphanet 1764, MedGen C0013364, MONDO:0009131, OMIM 223900. Disease mechanism: loss of function.
Medulloblastoma (MDB). Also called: Medulloblastoma, somatic; MEDULLOBLASTOMA PREDISPOSITION SYNDROME. Identifiers: Orphanet 616, MedGen C0025149, MeSH D008527, MONDO:0007959, OMIM 155255, HP:0002885.

Allele frequency attached by ClinVar (database versions not stated): gnomAD exomes 0.00001 and 0.00003; TOPMed 0.00001; ExAC 0.00007.
gnomAD v4.1: 16 of 1,603,968 alleles (0.001%); highest among the groups gnomAD compares: Non-Finnish European, 0.0012%; no homozygotes.

Submissions (4):

Ambry Genetics
Classification: Uncertain significance. Last evaluated: 2024-11-20. Review status: criteria provided, single submitter. Criteria: Ambry Variant Classification Scheme 2023. Collection method: clinical testing. Allele origin: germline.

Fulgent Genetics
Classification: Uncertain significance for Medulloblastoma; Familial dysautonomia. Last evaluated: 2022-02-11. Review status: criteria provided, single submitter. Criteria: ACMG Guidelines, 2015. Collection method: clinical testing. Allele origin: unknown.

Labcorp Genetics (formerly Invitae), Labcorp
Classification: Uncertain significance. Last evaluated: 2020-08-14. Review status: criteria provided, single submitter. Criteria: Invitae Variant Classification Sherloc (09022015). Collection method: clinical testing. Allele origin: germline.
Comment: This sequence change replaces phenylalanine with cysteine at codon 934 of the IKBKAP protein (p.Phe934Cys). The phenylalanine residue is moderately conserved and there is a large physicochemical difference between phenylalanine and cysteine. This variant is present in population databases (rs776891269, ExAC 0.01%). This variant has not been reported in the literature in individuals with IKBKAP-related disease. Algorithms developed to predict the effect of missense changes on protein structure and function (SIFT, PolyPhen-2, Align-GVGD) all suggest that this variant is likely to be disruptive, but these predictions have not been confirmed by published functional studies and their clinical significance is uncertain. In summary, the available evidence is currently insufficient to determine the role of this variant in disease. Therefore, it has been classified as a Variant of Uncertain Significance.

Natera, Inc.
Classification: Uncertain significance for Familial dysautonomia. Last evaluated: 2021-10-20. Review status: no assertion criteria provided. Collection method: clinical testing. Allele origin: germline. Not counted in ClinVar's aggregate classification.